The following is an entry in ClinVar:

ClinVar aggregate classification (germline): Pathogenic/Likely pathogenic. Review status: criteria provided, multiple submitters, no conflicts (2 of 4 stars). 6 submissions from 6 submitters: Pathogenic (3); Likely pathogenic (3). Last evaluated 2025-07-11.

Conditions:
USH2A-related disorder. Also called: USH2A-related condition; USH2A-related disorders. Identifiers: MedGen CN239332.
Retinitis pigmentosa 39 (RP39). Identifiers: Orphanet 791, MedGen C3151138, MONDO:0013436, OMIM 613809.
Usher syndrome type 2A. Also called: RETINAL DISEASE IN USHER SYNDROME TYPE IIA, MODIFIER OF; USHER SYNDROME, TYPE IIA. Identifiers: Orphanet 231178, Orphanet 886, MedGen C1848634, MONDO:0010169, OMIM 276901.

gnomAD v4.1: 4 of 1,614,088 alleles (0.00025%); highest among the groups gnomAD compares: Non-Finnish European, 0.00034%; no homozygotes.

Submissions (6):

Victorian Clinical Genetics Services, Murdoch Childrens Research Institute
Classification: Pathogenic for Usher syndrome type 2A. Last evaluated: 2025-07-11. Review status: criteria provided, single submitter. Criteria: ACMG Guidelines, 2015. Collection method: clinical testing. Allele origin: germline. Affected: no.
Comment: This variant is classified as Pathogenic. Evidence in support of pathogenic classification: Variant is predicted to cause nonsense-mediated decay (NMD) and loss of protein (premature termination codon is located at least 54 nucleotides upstream of the final exon-exon junction); Variant is present in gnomAD <0.01 for a recessive condition (v4: 4 heterozygote(s), 0 homozygote(s)). In addition, an alternative nucleotide change, resulting in the same amino acid change, is present in gnomAD (v4) <0.01 (5 heterozygote(s), 0 homozygote(s)); This variant has strong previous evidence of pathogenicity in unrelated individuals. This variant and an alternative nucleotide change resulting in the same amino acid change have been reported as pathogenic and likely pathogenic by clinical laboratories (ClinVar); Other NMD-predicted variant(s) comparable to the one identified in this case have very strong previous evidence for pathogenicity (DECIPHER). Additional information: This variant is heterozygous; This gene is associated with autosomal recessive disease; Loss of function is a known mechanism of disease in this gene and is associated with Usher syndrome, type 2A (MIM#276901) and retinitis pigmentosa (RP; MIM#6138093). Null variants are associated with Usher syndrome, while homozygous missense variants which lead to partially functional proteins typically cause non-syndromic RP (PMID: 20301515).

Natera, Inc.
Classification: Likely pathogenic for Usher syndrome type 2A. Last evaluated: 2024-06-26. Review status: criteria provided, single submitter. Criteria: Natera Variant Classification Schema (03/2026). Collection method: clinical testing. Allele origin: germline.
Comment: The c.12300C>A variant in USH2A is a nonsense variant predicted to introduce a stop codon at amino acid 4100. This variant is expected to result in nonsense mediated decay, truncation, or a dysfunctional protein product. This variant is rare in the general population with a frequency below the threshold expected for the associated phenotype(s). Given the available evidence, this variant is classified as Likely Pathogenic.

Labcorp Genetics (formerly Invitae), Labcorp
Classification: Pathogenic. Last evaluated: 2024-01-29. Review status: criteria provided, single submitter. Criteria: Invitae Variant Classification Sherloc (09022015). Collection method: clinical testing. Allele origin: germline.
Comment: This sequence change creates a premature translational stop signal (p.Tyr4100*) in the USH2A gene. It is expected to result in an absent or disrupted protein product. Loss-of-function variants in USH2A are known to be pathogenic (PMID: 10729113, 10909849, 20507924, 25649381). This variant is not present in population databases (gnomAD no frequency). This variant has not been reported in the literature in individuals affected with USH2A-related conditions. ClinVar contains an entry for this variant (Variation ID: 866677). For these reasons, this variant has been classified as Pathogenic.

Genome-Nilou Lab
Classification: Likely pathogenic for Retinitis pigmentosa 39. Last evaluated: 2023-11-04. Review status: criteria provided, single submitter. Criteria: ACMG Guidelines, 2015. Collection method: clinical testing. Allele origin: germline. Affected: no.

Baylor Genetics
Classification: Pathogenic for Retinitis pigmentosa 39. Last evaluated: 2023-10-03. Review status: criteria provided, single submitter. Criteria: ACMG Guidelines, 2015. Collection method: clinical testing. Allele origin: unknown.

Blueprint Genetics
Classification: Likely pathogenic for USH2A-related disorders. Last evaluated: 2022-10-26. Review status: criteria provided, single submitter. Criteria: ACMG Guidelines, 2015. Collection method: clinical testing. Allele origin: germline. Affected: yes. Observed: 2 variant alleles.

Literature cited by the submitters: PubMed 20301515 (cited by Victorian Clinical Genetics Services, Murdoch Childrens Research Institute); PubMed 10729113 (cited by Labcorp Genetics (formerly Invitae), Labcorp); PubMed 10909849 (cited by Labcorp Genetics (formerly Invitae), Labcorp); PubMed 20507924 (cited by Labcorp Genetics (formerly Invitae), Labcorp); PubMed 25649381 (cited by Labcorp Genetics (formerly Invitae), Labcorp).

NM_206933.4(USH2A):c.12300C>A (p.Tyr4100Ter)

Gene: USH2A (usherin; minus strand). Cytogenetic location: 1q41.
Variant type: single nucleotide variant.
Coding change: c.12300C>A on transcript NM_206933.4 (MANE Select); coding-DNA position 12300, C replaced by A.
Protein change: p.Tyr4100Ter; replaces tyrosine 4100 with a stop codon.
Molecular consequence: nonsense.
Genome position (GRCh38, 1-based): chr1:215,675,611, G>T on the plus strand (C>A on the coding strand, the complement: USH2A is on the minus strand). VCF-style: chr1-215675611-G-T. GRCh37 (hg19) VCF-style: chr1-215848953-G-T.
Other names: short protein forms Y4100*.
Identifiers: ClinVar variation 866677 (VCV000866677.15), dbSNP rs1657997730, ClinGen allele CA344851353.